The following is an entry in ClinVar:

NM_001082971.2(DDC):c.317C>T (p.Ala106Val)

Genes: DDC (dopa decarboxylase; minus strand), DDC-AS1 (DDC antisense RNA 1; plus strand). Cytogenetic location: 7p12.1.
Variant type: single nucleotide variant.
Coding change: c.317C>T on transcript NM_001082971.2 (MANE Select); coding-DNA position 317, C replaced by T.
Protein change: p.Ala106Val; replaces alanine 106 with valine.
Molecular consequence: missense variant. On other transcripts: intron variant (1).
Genome position (GRCh38, 1-based): chr7:50,537,978, G>A on the plus strand (C>T on the coding strand, the complement: DDC is on the minus strand). VCF-style: chr7-50537978-G-A. GRCh37 (hg19) VCF-style: chr7-50605676-G-A.
Other names: c.317C>T, p.Ala106Val (NM_000790.4, NM_001242887.2, NM_001242889.2 and 1 more transcripts); c.203C>T, p.Ala68Val (NM_001242886.2); c.201+5907C>T (NM_001242888.2); short protein forms A106V, A68V.
Identifiers: ClinVar variation 1352690 (VCV001352690.3), dbSNP rs752272988, ClinGen allele CA4262396.

ClinVar aggregate classification (germline): Uncertain significance (1 of 4 stars; one submission).

Conditions:
Deficiency of aromatic-L-amino-acid decarboxylase. Also called: AADC DEFICIENCY; DDC DEFICIENCY; DOPA DECARBOXYLASE DEFICIENCY; Aromatic L-Amino Acid Decarboxylase Deficiency; Aromatic amino acid decarboxylase deficiency. Identifiers: Orphanet 35708, MedGen C1291564, MONDO:0012084, OMIM 608643.

Allele frequency attached by ClinVar (database versions not stated): gnomAD exomes 0.00001; ExAC 0.00002.
gnomAD v4.1: 18 of 1,614,134 alleles (0.0011%); highest among the groups gnomAD compares: African/African-American, 0.0013%; no homozygotes.

Submission:

Labcorp Genetics (formerly Invitae), Labcorp
Classification: Uncertain significance for Deficiency of aromatic-L-amino-acid decarboxylase. Last evaluated: 2022-08-23. Review status: criteria provided, single submitter. Criteria: Invitae Variant Classification Sherloc (09022015). Collection method: clinical testing. Allele origin: germline.
Comment: This sequence change replaces alanine, which is neutral and non-polar, with valine, which is neutral and non-polar, at codon 106 of the DDC protein (p.Ala106Val). This variant is present in population databases (rs752272988, gnomAD 0.002%). This variant has not been reported in the literature in individuals affected with DDC-related conditions. ClinVar contains an entry for this variant (Variation ID: 1352690). Algorithms developed to predict the effect of missense changes on protein structure and function output the following: SIFT: "Tolerated"; PolyPhen-2: "Benign"; Align-GVGD: "Class C0". The valine amino acid residue is found in multiple mammalian species, which suggests that this missense change does not adversely affect protein function. Algorithms developed to predict the effect of sequence changes on RNA splicing suggest that this variant may create or strengthen a splice site. In summary, the available evidence is currently insufficient to determine the role of this variant in disease. Therefore, it has been classified as a Variant of Uncertain Significance.